The following is an entry in ClinVar:

ClinVar aggregate classification (germline): Benign/Likely benign. Review status: criteria provided, multiple submitters, no conflicts (2 of 4 stars). 10 submissions from 9 submitters: Benign (1); Likely benign (7). 2 of the submissions do not count toward it. Last evaluated 2026-02-03.

Conditions:
Hereditary cancer-predisposing syndrome. Also called: Tumor predisposition; Hereditary neoplastic syndrome; Hereditary Cancer Syndrome; Neoplastic Syndromes, Hereditary. Identifiers: Orphanet 140162, MedGen C0027672, MeSH D009386, MONDO:0015356.
Multiple endocrine neoplasia, type 2 (MEN2). Identifiers: Orphanet 653, MedGen C4048306, MONDO:0019003. Disease mechanism: gain of function.
Multiple endocrine neoplasia type 2A. Also called: Multiple Endocrine Neoplasia Type 2A (MEN2A); MULTIPLE ENDOCRINE NEOPLASIA, TYPE IIA; PTC SYNDROME; SIPPLE SYNDROME; MEN 2A; MEN-2A syndrome. Identifiers: Orphanet 247698, Orphanet 653, MedGen C0025268, MeSH D018813, MONDO:0008234, OMIM 171400.
Multiple endocrine neoplasia type 2B. Also called: MEN 2B; MUCOSAL NEUROMA SYNDROME; NEUROMATA, MUCOSAL, WITH ENDOCRINE TUMORS; WAGENMANN-FROBOESE SYNDROME; MULTIPLE ENDOCRINE NEOPLASIA, TYPE III; Multiple Endocrine Neoplasia Type 2B (MEN2B). Identifiers: Orphanet 247709, Orphanet 653, MedGen C0025269, MeSH D018814, MONDO:0008082, OMIM 162300.

Allele frequency attached by ClinVar (database versions not stated): gnomAD 0.00011 and 0.00012; ExAC 0.00013; TOPMed 0.00015; 1000 Genomes Project 30x 0.00016; 1000 Genomes Project 0.00020.
gnomAD v4.1: 71 of 1,614,000 alleles (0.0044%); highest among the groups gnomAD compares: Admixed American, 0.073%; no homozygotes.

Submissions (10):

Labcorp Genetics (formerly Invitae), Labcorp
Classification: Benign for Multiple endocrine neoplasia, type 2. Last evaluated: 2026-02-03. Review status: criteria provided, single submitter. Criteria: Invitae Variant Classification Sherloc (09022015). Collection method: clinical testing. Allele origin: germline.

Blueprint Genetics
Classification: Likely benign. Last evaluated: 2024-07-23. Review status: criteria provided, single submitter. Criteria: ACMG Guidelines, 2015. Collection method: clinical testing. Allele origin: germline.

CeGaT Center for Human Genetics Tuebingen
Classification: Likely benign. Last evaluated: 2024-07-01. Review status: criteria provided, single submitter. Criteria: CeGaT Center For Human Genetics Tuebingen Variant Classification Criteria Version 2. Collection method: clinical testing. Allele origin: germline. Affected: yes. Observed: 3 variant alleles.
Comment: RET: BP4, BP7

All of Us Research Program, National Institutes of Health
Classification: Likely benign for Multiple endocrine neoplasia, type 2. Last evaluated: 2023-12-13. Review status: criteria provided, single submitter. Criteria: ACMG Guidelines, 2015. Collection method: clinical testing. Allele origin: germline. Inheritance: Autosomal dominant inheritance. Observed: 16 variant alleles, 16 heterozygotes.
Comment: This study involves interpretation of variants in research participants for the purpose of population health screening. Participant phenotype was not available at the time of variant classification. Additional details can be found in publication PMID: 35346344, PMCID: PMC8962531

Color Diagnostics, LLC DBA Color Health
Classification: Likely benign for Multiple endocrine neoplasia, type 2. Last evaluated: 2022-11-06. Review status: criteria provided, single submitter. Criteria: ACMG Guidelines, 2015. Collection method: clinical testing. Allele origin: germline.

Sema4
Classification: Likely benign for Hereditary cancer-predisposing syndrome. Last evaluated: 2021-06-17. Review status: criteria provided, single submitter. Criteria: Sema4 Curation Guidelines. Collection method: curation. Allele origin: germline.

PreventionGenetics, part of Exact Sciences
Classification: Likely benign. Last evaluated: 2017-05-05. Review status: criteria provided, single submitter. Criteria: ACMG Guidelines, 2015. Collection method: clinical testing. Allele origin: germline.

Ambry Genetics
Classification: Likely benign for Hereditary cancer-predisposing syndrome. Last evaluated: 2015-01-16. Review status: criteria provided, single submitter. Criteria: Ambry Variant Classification Scheme 2023. Collection method: clinical testing. Allele origin: germline.

Counsyl
Classification: Likely benign for Multiple endocrine neoplasia type 2B. Last evaluated: 2015-12-09. Review status: no assertion criteria provided. Collection method: clinical testing. Allele origin: unknown. Not counted in ClinVar's aggregate classification.

Counsyl
Classification: Likely benign for Multiple endocrine neoplasia type 2A. Last evaluated: 2015-12-09. Review status: no assertion criteria provided. Collection method: clinical testing. Allele origin: unknown. Not counted in ClinVar's aggregate classification.

NM_020975.6(RET):c.1437C>T (p.Ala479=)

Gene: RET (ret proto-oncogene; plus strand). Cytogenetic location: 10q11.21.
Variant type: single nucleotide variant.
Coding change: c.1437C>T on transcript NM_020975.6 (MANE Select); coding-DNA position 1437, C replaced by T.
Protein change: p.Ala479=; no amino-acid change (alanine 479 retained).
Molecular consequence: synonymous variant. On other transcripts: intron variant (15).
Genome position (GRCh38, 1-based): chr10:43,111,380, C>T. VCF-style: chr10-43111380-C-T. GRCh37 (hg19) VCF-style: chr10-43606828-C-T.
Other names: c.1437C>T, p.Ala479= (NM_000323.2, NM_001406743.1, NM_001406744.1 and 6 more transcripts); c.675C>T, p.Ala225= (NM_001355216.2); c.1308C>T, p.Ala436= (NM_001406761.1, NM_001406762.1, NM_001406764.1 and 1 more transcripts); c.1149C>T, p.Ala383= (NM_001406766.1, NM_001406767.1, NM_001406770.1); c.1041C>T, p.Ala347= (NM_001406769.1, NM_001406772.1); c.999C>T, p.Ala333= (NM_001406771.1, NM_001406773.1); c.912C>T, p.Ala304= (NM_001406774.1); c.711C>T, p.Ala237= (NM_001406775.1, NM_001406776.1, NM_001406777.1 and 1 more transcripts); and 5 more.
Identifiers: ClinVar variation 136100 (VCV000136100.48), dbSNP rs576806356, ClinGen allele CA007581.